The following is an entry in ClinVar:

ClinVar aggregate classification (germline): Uncertain significance (1 of 4 stars; one submission).

Conditions:
Bloom syndrome (BLM). Also called: Bloom-Torre-Machacek syndrome. Identifiers: Orphanet 125, MedGen C0005859, MONDO:0008876, OMIM 210900.

Submission:

Juno Genomics, Hangzhou Juno Genomics, Inc
Classification: Uncertain significance for Bloom syndrome. Review status: criteria provided, single submitter. Criteria: ACMG Guidelines, 2015. Collection method: clinical testing. Allele origin: germline.
Comment: Absent from controls (or at extremely low frequency if recessive) in Genome Aggregation Database.

NM_000057.4(BLM):c.1937G>T (p.Ser646Ile)

Gene: BLM (BLM RecQ like helicase; plus strand). Cytogenetic location: 15q26.1.
Variant type: single nucleotide variant.
Coding change: c.1937G>T on transcript NM_000057.4 (MANE Select); coding-DNA position 1937, G replaced by T.
Protein change: p.Ser646Ile; replaces serine 646 with isoleucine.
Molecular consequence: missense variant.
Genome position (GRCh38, 1-based): chr15:90,763,020, G>T. VCF-style: chr15-90763020-G-T. GRCh37 (hg19) VCF-style: chr15-91306250-G-T.
Other names: c.1937G>T, p.Ser646Ile (NM_001287246.2, NM_001287247.2); c.812G>T, p.Ser271Ile (NM_001287248.2); short protein forms S271I, S646I.
Identifiers: ClinVar variation 5005483 (VCV005005483.2).